The following is an entry in ClinVar:

NM_001042492.3(NF1):c.1527+2_1527+3dup

Gene: NF1 (neurofibromin 1; plus strand). Cytogenetic location: 17q11.2.
Variant type: Duplication.
Coding change: c.1527+2_1527+3dup on transcript NM_001042492.3 (MANE Select); the canonical splice donor site of the intron after coding-DNA position 1527 through 3 bases into the intron after coding-DNA position 1527, 2 bases duplicated (TA; older notation c.1527+2_1527+3dupTA).
Molecular consequence: splice donor variant.
Genome position (GRCh38, 1-based): chr17:31,214,587-31,214,588, TA duplicated. VCF-style (leftmost placement, unchanged base first): chr17-31214586-G-GTA. GRCh37 (hg19) VCF-style: chr17-29541604-G-GTA.
Other names: c.1527+2_1527+3dup (NM_000267.4, NM_001128147.3).
Identifiers: ClinVar variation 3724046 (VCV003724046.2).

ClinVar aggregate classification (germline): Uncertain significance (1 of 4 stars; one submission).

Conditions:
Neurofibromatosis, type 1 (NF1). Also called: VON RECKLINGHAUSEN DISEASE; NEUROFIBROMATOSIS, TYPE I, SOMATIC; Peripheral type neurofibromatosis; Neurofibromatosis, type I. Identifiers: Orphanet 636, MedGen C0027831, MONDO:0018975, OMIM 162200. Disease mechanism: loss of function.

Submission:

Labcorp Genetics (formerly Invitae), Labcorp
Classification: Uncertain significance for Neurofibromatosis, type 1. Last evaluated: 2024-10-29. Review status: criteria provided, single submitter. Criteria: Invitae Variant Classification Sherloc (09022015). Collection method: clinical testing. Allele origin: germline.
Comment: This sequence change falls in intron 13 of the NF1 gene. It does not directly change the encoded amino acid sequence of the NF1 protein. It affects a nucleotide within the consensus splice site. This variant is not present in population databases (gnomAD no frequency). This variant has not been reported in the literature in individuals affected with NF1-related conditions. Variants that disrupt the consensus splice site are a relatively common cause of aberrant splicing (PMID: 17576681, 9536098). Algorithms developed to predict the effect of sequence changes on RNA splicing suggest that this variant may disrupt the consensus splice site. In summary, the available evidence is currently insufficient to determine the role of this variant in disease. Therefore, it has been classified as a Variant of Uncertain Significance.

Literature cited by the submitters: PubMed 17576681; PubMed 9536098.